The following is an entry in ClinVar:

NM_001127649.3(PEX26):c.877G>A (p.Ala293Thr)

Gene: PEX26 (peroxisomal biogenesis factor 26; plus strand). Cytogenetic location: 22q11.21.
Variant type: single nucleotide variant.
Coding change: c.877G>A on transcript NM_001127649.3 (MANE Select); coding-DNA position 877, G replaced by A.
Protein change: p.Ala293Thr; replaces alanine 293 with threonine.
Molecular consequence: missense variant.
Genome position (GRCh38, 1-based): chr22:18,088,034, G>A. VCF-style: chr22-18088034-G-A. GRCh37 (hg19) VCF-style: chr22-18570800-G-A.
Other names: c.730G>A, p.Ala244Thr (NM_001199319.2); c.877G>A, p.Ala293Thr (NM_017929.6); short protein forms A293T, A244T.
Identifiers: ClinVar variation 1468933 (VCV001468933.5), dbSNP rs1045236480, ClinGen allele CA321293123.

ClinVar aggregate classification (germline): Uncertain significance (1 of 4 stars; one submission).

Conditions:
Peroxisome biogenesis disorder 7A (Zellweger). Also called: Peroxisome biogenesis disorder 7A. Identifiers: Orphanet 912, MedGen C3888385, MONDO:0013938, OMIM 614872.
Peroxisome biogenesis disorder 7B (PBD7B). Identifiers: Orphanet 44, MedGen C3553951, MONDO:0013939, OMIM 614873.

Allele frequency attached by ClinVar (database versions not stated): gnomAD 0.00002.

Submission:

Labcorp Genetics (formerly Invitae), Labcorp
Classification: Uncertain significance for Peroxisome biogenesis disorder 7A (Zellweger); Peroxisome biogenesis disorder 7B. Last evaluated: 2022-07-05. Review status: criteria provided, single submitter. Criteria: Invitae Variant Classification Sherloc (09022015). Collection method: clinical testing. Allele origin: germline.
Comment: This sequence change replaces alanine, which is neutral and non-polar, with threonine, which is neutral and polar, at codon 293 of the PEX26 protein (p.Ala293Thr). This variant is present in population databases (no rsID available, gnomAD 0.01%). This variant has not been reported in the literature in individuals affected with PEX26-related conditions. ClinVar contains an entry for this variant (Variation ID: 1468933). Algorithms developed to predict the effect of missense changes on protein structure and function output the following: SIFT: "Tolerated"; PolyPhen-2: "Benign"; Align-GVGD: "Class C0". The threonine amino acid residue is found in multiple mammalian species, which suggests that this missense change does not adversely affect protein function. In summary, the available evidence is currently insufficient to determine the role of this variant in disease. Therefore, it has been classified as a Variant of Uncertain Significance.